The following is an entry in ClinVar:

NM_005076.5(CNTN2):c.1115G>A (p.Arg372Gln)

Gene: CNTN2 (contactin 2; plus strand). Cytogenetic location: 1q32.1.
Variant type: single nucleotide variant.
Coding change: c.1115G>A on transcript NM_005076.5 (MANE Select); coding-DNA position 1115, G replaced by A.
Protein change: p.Arg372Gln; replaces arginine 372 with glutamine.
Molecular consequence: missense variant. On other transcripts: non-coding transcript variant (1).
Genome position (GRCh38, 1-based): chr1:205,062,444, G>A. VCF-style: chr1-205062444-G-A. GRCh37 (hg19) VCF-style: chr1-205031572-G-A.
Other names: c.1115G>A, p.Arg372Gln (NM_001346083.2); short protein forms R372Q.
Identifiers: ClinVar variation 474458 (VCV000474458.10), dbSNP rs1223229519, ClinGen allele CA344374385.

ClinVar aggregate classification (germline): Uncertain significance. Review status: criteria provided, multiple submitters, no conflicts (2 of 4 stars). 2 submissions from 2 submitters: Uncertain significance (2). Last evaluated 2022-07-19.

Conditions:
Epilepsy, familial adult myoclonic, 5 (EPEO5). Also called: CORTICAL MYOCLONIC TREMOR WITH EPILEPSY, FAMILIAL, 5. Identifiers: Orphanet 86814, MedGen C3809374, MONDO:0014167, OMIM 615400.

Allele frequency attached by ClinVar (database versions not stated): gnomAD exomes below 0.00001; gnomAD 0.00001; TOPMed 0.00001.

Submissions (2):

Labcorp Genetics (formerly Invitae), Labcorp
Classification: Uncertain significance for Epilepsy, familial adult myoclonic, 5. Last evaluated: 2022-07-19. Review status: criteria provided, single submitter. Criteria: Invitae Variant Classification Sherloc (09022015). Collection method: clinical testing. Allele origin: germline.
Comment: This sequence change replaces arginine, which is basic and polar, with glutamine, which is neutral and polar, at codon 372 of the CNTN2 protein (p.Arg372Gln). In summary, the available evidence is currently insufficient to determine the role of this variant in disease. Therefore, it has been classified as a Variant of Uncertain Significance. Algorithms developed to predict the effect of sequence changes on RNA splicing suggest that this variant may create or strengthen a splice site. Advanced modeling of protein sequence and biophysical properties (such as structural, functional, and spatial information, amino acid conservation, physicochemical variation, residue mobility, and thermodynamic stability) performed at Invitae indicates that this missense variant is not expected to disrupt CNTN2 protein function. ClinVar contains an entry for this variant (Variation ID: 474458). This variant has not been reported in the literature in individuals affected with CNTN2-related conditions. This variant is present in population databases (no rsID available, gnomAD 0.0009%).

Juno Genomics, Hangzhou Juno Genomics, Inc
Classification: Uncertain significance for Epilepsy, familial adult myoclonic, 5. Review status: criteria provided, single submitter. Criteria: ACMG Guidelines, 2015. Collection method: clinical testing. Allele origin: germline.
Comment: Absent from controls (or at extremely low frequency if recessive) in Genome Aggregation Database.;Missense variant in a gene that has a low rate of benign missense variation.;Multiple lines of computational evidence support a deleterious effect on the gene or gene product.